The following is an entry in ClinVar:

ClinVar aggregate classification (germline): Pathogenic (1 of 4 stars; one submission).

Conditions:
Early-infantile DEE. Also called: Ohtahara syndrome; Early infantile epileptic encephalopathy with suppression bursts; Early infantile epileptic encephalopathy. Identifiers: Orphanet 1934, MedGen C0393706, MONDO:0800491.

Submission:

Labcorp Genetics (formerly Invitae), Labcorp
Classification: Pathogenic for Early-infantile DEE. Last evaluated: 2019-12-11. Review status: criteria provided, single submitter. Criteria: Invitae Variant Classification Sherloc (09022015). Collection method: clinical testing. Allele origin: germline.
Comment: For these reasons, this variant has been classified as Pathogenic. Loss-of-function variants in SCN1A are known to be pathogenic (PMID: 17347258, 18930999). This variant has not been reported in the literature in individuals with SCN1A-related conditions. This variant is not present in population databases (ExAC no frequency). This sequence change creates a premature translational stop signal (p.Glu725Lysfs*22) in the SCN1A gene. It is expected to result in an absent or disrupted protein product.

Literature cited by the submitters: PubMed 17347258; PubMed 18930999.

NM_001165963.4(SCN1A):c.2172del (p.Glu725fs)

Gene: SCN1A (sodium voltage-gated channel alpha subunit 1; minus strand). Cytogenetic location: 2q24.3.
Variant type: Deletion.
Coding change: c.2172del on transcript NM_001165963.4 (MANE Select); coding-DNA position 2172, one base deleted (A; older notation c.2172delA).
Protein change: p.Glu725fs; shifts the reading frame from glutamic acid 725.
Molecular consequence: frameshift variant. On other transcripts: 5 prime UTR variant (1), non-coding transcript variant (1).
Genome position (GRCh38, 1-based): chr2:166,042,296, T deleted on the plus strand (A on the coding strand, the reverse complement: SCN1A is on the minus strand). VCF-style (leftmost placement, unchanged base first): chr2-166042295-CT-C. GRCh37 (hg19) VCF-style: chr2-166898805-CT-C.
Other names: c.2088del, p.Glu697fs (NM_001165964.3, NM_001353957.2, NM_001353958.2); c.2172del, p.Glu725fs (NM_001202435.3, NM_001353948.2); c.2139del, p.Glu714fs (NM_001353949.2, NM_001353950.2, NM_001353951.2 and 2 more transcripts); c.2136del, p.Glu713fs (NM_001353954.2, NM_001353955.2); c.2085del, p.Glu696fs (NM_001353960.2); c.-287del (NM_001353961.2); short protein forms E696fs, E697fs, E713fs, E725fs, E714fs.
Identifiers: ClinVar variation 839859 (VCV000839859.10), dbSNP rs1697277384, ClinGen allele CA916082239.
Genomic context (GRCh38, chr2:166,042,295, plus strand): 5'-TGAGACAATATAAGTTTGGTGAAAATAATTGAAACGAAAATAGAATTTGTTACCAACCTT[CT>C]ACTGTATTTGTTAGAATGCTGGCTATACTCATTGCTCGTTGCCTTTGGGAAGGATCTTCT-3'